The following is an entry in ClinVar:

NM_201384.3(PLEC):c.2305-10del

Gene: PLEC (plectin; minus strand). Cytogenetic location: 8q24.3.
Variant type: Deletion.
Coding change: c.2305-10del on transcript NM_201384.3 (MANE Select); 10 bases into the intron before coding-DNA position 2305, one base deleted (T; older notation c.2305-10delT).
Molecular consequence: intron variant.
Genome position (GRCh38, 1-based): chr8:143,930,546, A deleted on the plus strand (T on the coding strand, the reverse complement: PLEC is on the minus strand). VCF-style (leftmost placement, unchanged base first): chr8-143930545-GA-G. GRCh37 (hg19) VCF-style: chr8-145004713-GA-G.
Other names: p.?; c.2386-10del (NM_000445.4, NM_000445.5, NM_000445.3); c.2263-10del (NM_201378.4); c.2239-10del (NM_201379.3); c.2716-10del (NM_201380.4); c.2209-10del (NM_201381.3); c.2305-10del (NM_201382.4); c.2317-10del (NM_201383.3).
Identifiers: ClinVar variation 93039 (VCV000093039.19), dbSNP rs142120912, ClinGen allele CA146315.

ClinVar aggregate classification (germline): Benign/Likely benign. Review status: criteria provided, multiple submitters, no conflicts (2 of 4 stars). 6 submissions from 6 submitters: Benign (5); Likely benign (1). Last evaluated 2026-02-03.

Conditions:
Epidermolysis bullosa simplex, Ogna type (EBS5A). Also called: Pidermolysis bullosa simplex 5A, Ogna type; EPIDERMOLYSIS BULLOSA SIMPLEX 5A, OGNA TYPE. Identifiers: Orphanet 79401, MedGen C0432317, MONDO:0007555, OMIM 131950.
Autosomal recessive limb-girdle muscular dystrophy type 2Q (LGMDR17). Also called: MUSCULAR DYSTROPHY, LIMB-GIRDLE, AUTOSOMAL RECESSIVE 17. Identifiers: Orphanet 254361, MedGen C3150989, MONDO:0013390, OMIM 613723.
Epidermolysis bullosa simplex 5C, with pyloric atresia (EBS5C). Also called: PLEC-Related Epidermolysis Bullosa with Pyloric Atresia; Epidermolysis bullosa simplex with pyloric atresia; PLEC1-Related Epidermolysis Bullosa with Pyloric Atresia. Identifiers: Orphanet 158684, MedGen C2677349, MONDO:0012807, OMIM 612138.
Epidermolysis bullosa simplex with nail dystrophy (EBS5D). Identifiers: MedGen C4225309, MONDO:0014661, OMIM 616487.
Epidermolysis bullosa simplex 5B, with muscular dystrophy (EBS5B). Also called: EPIDERMOLYSIS BULLOSA SIMPLEX AND LIMB-GIRDLE MUSCULAR DYSTROPHY; Epidermolysis bullosa simplex with muscular dystrophy. Identifiers: Orphanet 257, MedGen C2931072, MONDO:0009181, OMIM 226670.

Allele frequency attached by ClinVar (database versions not stated): gnomAD exomes 0.00116 and 0.00298; ExAC 0.00652; gnomAD 0.01150 and 0.01228; TOPMed 0.01349; ESP Exome Variant Server 0.01424; 1000 Genomes Project 0.01617; 1000 Genomes Project 30x 0.01749.

Submissions (7):

Labcorp Genetics (formerly Invitae), Labcorp
Classification: Benign for Autosomal recessive limb-girdle muscular dystrophy type 2Q; Epidermolysis bullosa simplex, Ogna type; Epidermolysis bullosa simplex with nail dystrophy; Epidermolysis bullosa simplex 5C, with pyloric atresia; Epidermolysis bullosa simplex 5B, with muscular dystrophy. Last evaluated: 2026-02-03. Review status: criteria provided, single submitter. Criteria: Invitae Variant Classification Sherloc (09022015). Collection method: clinical testing. Allele origin: germline.

Athena Diagnostics
Classification: Benign. Last evaluated: 2024-07-05. Review status: criteria provided, single submitter. Criteria: Athena Diagnostics Criteria. Collection method: clinical testing. Allele origin: unknown.

Mayo Clinic Laboratories, Mayo Clinic
Classification: Benign. Last evaluated: 2024-02-15. Review status: criteria provided, single submitter. Criteria: ACMG Guidelines, 2015. Collection method: clinical testing. Allele origin: germline. Observed: 7 variant alleles.
Comment: BS1, BS2, BP4, BP7

GeneDx
Classification: Benign. Last evaluated: 2018-02-26. Review status: criteria provided, single submitter. Criteria: GeneDx Variant Classification (06012015). Collection method: clinical testing. Allele origin: germline. Affected: yes.
Comment: This variant is considered likely benign or benign based on one or more of the following criteria: it is a conservative change, it occurs at a poorly conserved position in the protein, it is predicted to be benign by multiple in silico algorithms, and/or has population frequency not consistent with disease.

Eurofins Ntd Llc (ga)
Classification: Benign. Last evaluated: 2013-03-12. Review status: criteria provided, single submitter. Criteria: EGL Classification Definitions 2015. Collection method: clinical testing. Allele origin: germline. Observed: 6 variant alleles, 4 heterozygotes.

PreventionGenetics, part of Exact Sciences
Classification: Likely benign. Review status: criteria provided, single submitter. Criteria: ACMG Guidelines, 2015. Collection method: clinical testing. Allele origin: germline.

Dr. Peter K. Rogan Lab, Western University
No classification provided (evidence only). Condition: Familial cancer of breast. Review status: no classification provided. Collection method: in vitro. Allele origin: not applicable. Functional consequence: retained intron. Not counted in ClinVar's aggregate classification.